The following is an entry in ClinVar:

NM_001330195.2(NRXN3):c.4086G>A (p.Pro1362=)

Gene: NRXN3 (neurexin 3; plus strand). Cytogenetic location: 14q31.1.
Variant type: single nucleotide variant.
Coding change: c.4086G>A on transcript NM_001330195.2 (MANE Select); coding-DNA position 4086, G replaced by A.
Protein change: p.Pro1362=; no amino-acid change (proline 1362 retained).
Molecular consequence: synonymous variant. On other transcripts: non-coding transcript variant (5).
Genome position (GRCh38, 1-based): chr14:79,805,183, G>A. VCF-style: chr14-79805183-G-A. GRCh37 (hg19) VCF-style: chr14-80271526-G-A.
Other names: c.1071G>A, p.Pro357= (NM_001105250.3); c.981G>A, p.Pro327= (NM_001272020.2, NM_138970.5); c.3996G>A, p.Pro1332= (NM_001366425.1); c.4098G>A, p.Pro1366= (NM_001366426.1); c.2877G>A, p.Pro959= (NM_004796.6).
Identifiers: ClinVar variation 3036695 (VCV003036695.2), dbSNP rs780548844, ClinGen allele CA7292388.

ClinVar aggregate classification (germline): Likely benign (0 of 4 stars; one submission).

Conditions:
NRXN3-related disorder. Also called: NRXN3-related condition.

Allele frequency attached by ClinVar (database versions not stated): ExAC 0.00001; gnomAD 0.00002; gnomAD exomes 0.00002; TOPMed 0.00003.
gnomAD v4.1: 39 of 1,613,272 alleles (0.0024%); highest among the groups gnomAD compares: South Asian, 0.019%; 1 homozygote.

Submission:

PreventionGenetics, part of Exact Sciences
Classification: Likely benign for NRXN3-related condition. Last evaluated: 2023-01-12. Review status: no assertion criteria provided. Collection method: clinical testing. Allele origin: germline.
Comment: This variant is classified as likely benign based on ACMG/AMP sequence variant interpretation guidelines (Richards et al. 2015 PMID: 25741868, with internal and published modifications).